The following is an entry in ClinVar:

ClinVar aggregate classification (germline): Uncertain significance. Review status: criteria provided, multiple submitters, no conflicts (2 of 4 stars). 2 submissions from 2 submitters: Uncertain significance (2). Last evaluated 2026-08-29.

Conditions:
Mitochondrial complex II deficiency, nuclear type 1. Also called: SUCCINATE CoQ REDUCTASE DEFICIENCY. Identifiers: Orphanet 3208, MedGen C5700310, MONDO:0100294, OMIM 252011.
Pheochromocytoma/paraganglioma syndrome 5. Also called: Paragangliomas 5; SDHA-Related Hereditary Paraganglioma-Pheochromocytoma Syndrome. Identifiers: Orphanet 29072, MedGen C3279992, MONDO:0013602, OMIM 614165.
Hereditary cancer-predisposing syndrome. Also called: Neoplastic Syndromes, Hereditary; Hereditary Cancer Syndrome; Tumor predisposition; Hereditary neoplastic syndrome. Identifiers: Orphanet 140162, MedGen C0027672, MeSH D009386, MONDO:0015356.

Allele frequency attached by ClinVar (database versions not stated): gnomAD exomes below 0.00001.
gnomAD v4.1: 1 of 1,613,880 alleles (0.000062%); highest among the groups gnomAD compares: Non-Finnish European, 0.000085%; no homozygotes.

Submissions (2):

Ambry Genetics
Classification: Uncertain significance for Hereditary cancer-predisposing syndrome. Last evaluated: 2026-08-29. Review status: criteria provided, single submitter. Criteria: Ambry Variant Classification Scheme 2023. Collection method: clinical testing. Allele origin: germline.
Comment: The p.S243C variant (also known as c.728C>G), located in coding exon 6 of the SDHA gene, results from a C to G substitution at nucleotide position 728. The serine at codon 243 is replaced by cysteine, an amino acid with dissimilar properties. This amino acid position is conserved. In addition, the in silico prediction for this alteration is inconclusive. Based on the available evidence, the clinical significance of this variant remains unclear.

Labcorp Genetics (formerly Invitae), Labcorp
Classification: Uncertain significance for Pheochromocytoma/paraganglioma syndrome 5; Mitochondrial complex II deficiency, nuclear type 1. Last evaluated: 2021-07-09. Review status: criteria provided, single submitter. Criteria: Invitae Variant Classification Sherloc (09022015). Collection method: clinical testing. Allele origin: germline.
Comment: In summary, the available evidence is currently insufficient to determine the role of this variant in disease. Therefore, it has been classified as a Variant of Uncertain Significance. Algorithms developed to predict the effect of missense changes on protein structure and function are either unavailable or do not agree on the potential impact of this missense change (SIFT: "Deleterious"; PolyPhen-2: "Probably Damaging"; Align-GVGD: "Class C15"). This variant is not present in population databases (ExAC no frequency). This variant has not been reported in the literature in individuals with SDHA-related conditions. This sequence change replaces serine with cysteine at codon 243 of the SDHA protein (p.Ser243Cys). The serine residue is moderately conserved and there is a moderate physicochemical difference between serine and cysteine.

NM_004168.4(SDHA):c.728C>G (p.Ser243Cys)

Gene: SDHA (succinate dehydrogenase complex flavoprotein subunit A; plus strand). Cytogenetic location: 5p15.33.
Variant type: single nucleotide variant.
Coding change: c.728C>G on transcript NM_004168.4 (MANE Select); coding-DNA position 728, C replaced by G.
Protein change: p.Ser243Cys; replaces serine 243 with cysteine.
Molecular consequence: missense variant.
Genome position (GRCh38, 1-based): chr5:228,291, C>G. VCF-style: chr5-228291-C-G. GRCh37 (hg19) VCF-style: chr5-228406-C-G.
Other names: c.584C>G, p.Ser195Cys (NM_001294332.2); c.728C>G, p.Ser243Cys (NM_001330758.2); c.728C>G (NM_004168.2); short protein forms S195C, S243C.
Identifiers: ClinVar variation 952573 (VCV000952573.11), dbSNP rs756966025, ClinGen allele CA359011100.